The following is an entry in ClinVar:

NM_001009944.3(PKD1):c.1528_1546del (p.Arg510fs)

Gene: PKD1 (polycystin 1, transient receptor potential channel interacting; minus strand). Cytogenetic location: 16p13.3.
Variant type: Deletion.
Coding change: c.1528_1546del on transcript NM_001009944.3 (MANE Select); coding-DNA positions 1528 to 1546, 19 bases deleted (CGGCTCGGGCCCACCGGGT).
Protein change: p.Arg510fs; shifts the reading frame from arginine 510.
Molecular consequence: frameshift variant.
Genome position (GRCh38, 1-based): chr16:2,116,893-2,116,911, ACCCGGTGGGCCCGAGCCG deleted on the plus strand (CGGCTCGGGCCCACCGGGT on the coding strand, the reverse complement: PKD1 is on the minus strand). VCF-style (leftmost placement, unchanged base first): chr16-2116892-CACCCGGTGGGCCCGAGCCG-C. GRCh37 (hg19) VCF-style: chr16-2166893-CACCCGGTGGGCCCGAGCCG-C.
Other names: c.1528_1546del, p.Arg510fs (NM_000296.4); short protein forms R510fs.
Identifiers: ClinVar variation 3335859 (VCV003335859.2).
Genomic context (GRCh38, chr16:2,116,892, plus strand): 5'-CCTCCGGGCTGCAGCTCGCAGACGTAGCTGTGCGGCGCTGAGCACAGGTCGGTGTTACAC[CACCCGGTGGGCCCGAGCCG>C]GACGCAGTGCTCGGCTGTGGCTGGGTGTGGCTCCCCGGGCAGCCAGTTCTGGCAGCTCTC-3'

ClinVar aggregate classification (germline): Pathogenic (1 of 4 stars; one submission).

Conditions:
Polycystic kidney disease, adult type (PKD1). Also called: Polycystic Kidney, Autosomal Dominant; POLYCYSTIC KIDNEY DISEASE 1 WITH OR WITHOUT POLYCYSTIC LIVER DISEASE; POLYCYSTIC KIDNEY DISEASE, ADULT, TYPE I; Polycystic Kidney Disease 1, Autosomal Dominant; Polycystic kidney disease 1; Polycystic kidney disease 1, severe. Identifiers: MedGen C3149841, MONDO:0008263, OMIM 173900.

Submission:

Juno Genomics, Hangzhou Juno Genomics, Inc
Classification: Pathogenic for Polycystic kidney disease, adult type. Review status: criteria provided, single submitter. Criteria: ACMG Guidelines, 2015. Collection method: clinical testing. Allele origin: germline. Affected: yes.
Comment: Absent from controls (or at extremely low frequency if recessive) in Genome Aggregation Database, Exome Sequencing Project, 1000 Genomes Project, or Exome Aggregation Consortium.;Null variant in a gene where loss of function (LOF) is a known mechanism of disease.;Patient's phenotype or family history is highly specific for a disease with a single genetic etiology.